The following is an entry in ClinVar:

ClinVar aggregate classification (germline): Uncertain significance (1 of 4 stars; one submission).

Conditions:
Short-rib thoracic dysplasia 8 with or without polydactyly (SRTD8). Also called: SHORT-RIB THORACIC DYSPLASIA 8 WITH POLYDACTYLY. Identifiers: Orphanet 93271, MedGen C3809691, MONDO:0014214, OMIM 615503.

Submission:

Labcorp Genetics (formerly Invitae), Labcorp
Classification: Uncertain significance for Short-rib thoracic dysplasia 8 with or without polydactyly. Last evaluated: 2021-09-01. Review status: criteria provided, single submitter. Criteria: Invitae Variant Classification Sherloc (09022015). Collection method: clinical testing. Allele origin: germline.
Comment: This sequence change replaces tryptophan with cysteine at codon 724 of the WDR60 protein (p.Trp724Cys). The tryptophan residue is highly conserved and there is a large physicochemical difference between tryptophan and cysteine. This variant is not present in population databases (ExAC no frequency). This missense change has been observed in individual(s) with clinical features of short-rib thoracic dysplasia (Invitae). Algorithms developed to predict the effect of missense changes on protein structure and function are either unavailable or do not agree on the potential impact of this missense change (SIFT: "Deleterious"; PolyPhen-2: "Benign"; Align-GVGD: "Class C0"). In summary, the available evidence is currently insufficient to determine the role of this variant in disease. Therefore, it has been classified as a Variant of Uncertain Significance.

NM_018051.5(DYNC2I1):c.2172G>C (p.Trp724Cys)

Gene: DYNC2I1 (dynein 2 intermediate chain 1; plus strand). Cytogenetic location: 7q36.3.
Variant type: single nucleotide variant.
Coding change: c.2172G>C on transcript NM_018051.5 (MANE Select); coding-DNA position 2172, G replaced by C.
Protein change: p.Trp724Cys; replaces tryptophan 724 with cysteine.
Molecular consequence: missense variant.
Genome position (GRCh38, 1-based): chr7:158,923,648, G>C. VCF-style: chr7-158923648-G-C. GRCh37 (hg19) VCF-style: chr7-158716339-G-C.
Other names: c.2034G>C, p.Trp678Cys (NM_001350914.2); c.1599G>C, p.Trp533Cys (NM_001350915.2); c.711G>C, p.Trp237Cys (NM_001350916.2); c.924G>C, p.Trp308Cys (NM_001350917.2, NM_001350918.2); short protein forms W237C, W678C, W308C, W533C, W724C.
Identifiers: ClinVar variation 1039256 (VCV001039256.6), dbSNP rs1459822084, ClinGen allele CA370178823.
Genomic context (GRCh38, chr7:158,923,648, plus strand): 5'-GAGCCCTTTGAAAGCATTTTTACTGTTTGCCGGAACAGCGCACGGCTCAGTTGTCGTCTG[G>C]GATTTGAGAGAAGACTCAAGGCTGCATTACTCTGTGACGCTGAGCGATGGCTTCTGGACG-3'
Protein context (NP_060521.4, residues 714-734): AGTAHGSVVV[Trp724Cys]DLREDSRLHY